The following is an entry in ClinVar:

NM_000093.5(COL5A1):c.*1G>T

Genes: COL5A1 (collagen type V alpha 1 chain; plus strand), LOC101448202 (uncharacterized LOC101448202; minus strand). Cytogenetic location: 9q34.3.
Variant type: single nucleotide variant.
Coding change: c.*1G>T on transcript NM_000093.5 (MANE Select); 1 bases downstream of the stop codon, G replaced by T.
Molecular consequence: 3 prime UTR variant.
Genome position (GRCh38, 1-based): chr9:134,842,304, G>T. VCF-style: chr9-134842304-G-T. GRCh37 (hg19) VCF-style: chr9-137734150-G-T.
Other names: c.*1G>T (NM_001278074.1).
Identifiers: ClinVar variation 4997297 (VCV004997297.1).
Genomic context (GRCh38, chr9:134,842,304, plus strand): 5'-TTCGGTGAAGCGTCACAGAAATTTGGATTTGAAGTGGGGCCGGCTTGCTTCATGGGCTAG[G>T]AGCCGCCGAGCCCGGGCTCCCGAGAGCAACCTCGTGACCTCAGCATGCCATTCGTTCGTG-3'

ClinVar aggregate classification (germline): Likely benign (1 of 4 stars; one submission).

Conditions:
COL5A1-related disorder. Also called: COL5A1-related condition.

gnomAD v4.1: 2 of 1,613,956 alleles (0.00012%); highest among the groups gnomAD compares: Non-Finnish European, 0.000085%; no homozygotes.

Submission:

PreventionGenetics, part of Exact Sciences
Classification: Likely benign for COL5A1-related condition. Last evaluated: 2024-12-02. Review status: criteria provided, single submitter. Criteria: ACMG Guidelines, 2015. Collection method: clinical testing. Allele origin: germline.
Comment: This variant is classified as likely benign based on ACMG/AMP sequence variant interpretation guidelines (Richards et al. 2015 PMID: 25741868, with internal and published modifications).